The following is an entry in ClinVar:

NM_004667.6(HERC2):c.10530A>G (p.Ala3510=)

Gene: HERC2 (HECT and RLD domain containing E3 ubiquitin protein ligase 2; minus strand). Cytogenetic location: 15q13.1.
Variant type: single nucleotide variant.
Coding change: c.10530A>G on transcript NM_004667.6 (MANE Select); coding-DNA position 10530, A replaced by G.
Protein change: p.Ala3510=; no amino-acid change (alanine 3510 retained).
Molecular consequence: synonymous variant.
Genome position (GRCh38, 1-based): chr15:28,167,711, T>C on the plus strand (A>G on the coding strand, the complement: HERC2 is on the minus strand). VCF-style: chr15-28167711-T-C. GRCh37 (hg19) VCF-style: chr15-28412857-T-C.
Identifiers: ClinVar variation 2645047 (VCV002645047.25), dbSNP rs147681848, ClinGen allele CA7440813.
Genomic context (GRCh38, chr15:28,167,711, plus strand): 5'-TTCACAATACAAAGTTAAAGAAGAACGCCTCTTCACCTCTTTGGTTTTGGTCATGGTTTC[T>C]GCAATGATGCTTGCGGCTCCCAGGTCATCCGTCACTGGGATAAAAGGCCGAGCGGAGGCT-3'
Protein context (NP_004658.3, residues 3500-3520): TDDLGAASII[Ala3510=]ETMTKTKEDV

ClinVar aggregate classification (germline): Likely benign. Review status: criteria provided, multiple submitters, no conflicts (2 of 4 stars). 2 submissions from 2 submitters: Likely benign (2). Last evaluated 2025-11-01.

Allele frequency attached by ClinVar (database versions not stated): ExAC 0.00052; 1000 Genomes Project 0.00060; 1000 Genomes Project 30x 0.00062; TOPMed 0.00199; ESP Exome Variant Server 0.00277.
gnomAD v4.1: 541 of 1,614,204 alleles (0.034%); highest among the groups gnomAD compares: African/African-American, 0.63%; 1 homozygote.

Submissions (2):

CeGaT Center for Human Genetics Tuebingen
Classification: Likely benign. Last evaluated: 2025-11-01. Review status: criteria provided, single submitter. Criteria: CeGaT Center For Human Genetics Tuebingen Variant Classification Criteria Version 2. Collection method: clinical testing. Allele origin: germline. Affected: yes. Observed: 2 variant alleles.
Comment: HERC2: BP4, BP7

Blueprint Genetics
Classification: Likely benign. Last evaluated: 2024-07-15. Review status: criteria provided, single submitter. Criteria: ACMG Guidelines, 2015. Collection method: clinical testing. Allele origin: germline.